The following is an entry in ClinVar:

ClinVar aggregate classification (germline): Benign. Review status: criteria provided, multiple submitters, no conflicts (2 of 4 stars). 4 submissions from 4 submitters: Benign (3). 1 of the submissions does not count toward it. Last evaluated 2022-06-05.

Conditions:
SLC52A1-related disorder. Also called: SLC52A1-related condition.

Allele frequency attached by ClinVar (database versions not stated): gnomAD 0.03031 and 0.03149; TOPMed 0.03058; gnomAD exomes 0.03019 and 0.04533; ExAC 0.03108; ESP Exome Variant Server 0.03352; 1000 Genomes Project 0.01318; 1000 Genomes Project 30x 0.01546.

Submissions (4):

Mayo Clinic Laboratories, Mayo Clinic
Classification: Benign. Last evaluated: 2022-06-05. Review status: criteria provided, single submitter. Criteria: ACMG Guidelines, 2015. Collection method: clinical testing. Allele origin: germline. Observed: 4 variant alleles.

GeneDx
Classification: Benign. Last evaluated: 2019-12-11. Review status: criteria provided, single submitter. Criteria: GeneDx Variant Classification Process June 2021. Collection method: clinical testing. Allele origin: germline. Affected: yes.

Breakthrough Genomics
Classification: Benign. Review status: criteria provided, single submitter. Criteria: ACMG Guidelines, 2015. Collection method: not provided. Allele origin: germline. Inheritance: Autosomal dominant inheritance. Affected: yes.

PreventionGenetics, part of Exact Sciences
Classification: Benign for SLC52A1-related condition. Last evaluated: 2019-12-09. Review status: no assertion criteria provided. Collection method: clinical testing. Allele origin: germline. Not counted in ClinVar's aggregate classification.
Comment: This variant is classified as benign based on ACMG/AMP sequence variant interpretation guidelines (Richards et al. 2015 PMID: 25741868, with internal and published modifications).

NM_017986.4(SLC52A1):c.-2G>T

Gene: SLC52A1 (solute carrier family 52 member 1; minus strand). Cytogenetic location: 17p13.2.
Variant type: single nucleotide variant.
Coding change: c.-2G>T on transcript NM_017986.4 (MANE Select); 2 bases upstream of the start codon, G replaced by T.
Molecular consequence: 5 prime UTR variant.
Genome position (GRCh38, 1-based): chr17:5,034,608, C>A on the plus strand (G>T on the coding strand, the complement: SLC52A1 is on the minus strand). VCF-style: chr17-5034608-C-A. GRCh37 (hg19) VCF-style: chr17-4937903-C-A.
Other names: c.-2G>T (NM_001104577.2, NM_001104577.1).
Identifiers: ClinVar variation 1287443 (VCV001287443.5), dbSNP rs346823, ClinGen allele CA8319919.